The following is an entry in ClinVar:

ClinVar aggregate classification (germline): Pathogenic/Likely pathogenic. Review status: criteria provided, multiple submitters, no conflicts (2 of 4 stars). 3 submissions from 3 submitters: Pathogenic (2); Likely pathogenic (1). Last evaluated 2023-11-24.

Conditions:
Dihydropyrimidinase deficiency (DPYSD). Also called: DPH DEFICIENCY; DPYS DEFICIENCY; dihydropyrimidinuria. Identifiers: Orphanet 38874, MedGen C0342803, MONDO:0009111, OMIM 222748.
Inborn genetic diseases. Identifiers: MedGen C0950123, MeSH D030342.

Allele frequency attached by ClinVar (database versions not stated): gnomAD 0.00003; TOPMed 0.00007.
gnomAD v4.1: 29 of 1,522,640 alleles (0.0019%); highest among the groups gnomAD compares: African/African-American, 0.0028%; no homozygotes.

Submissions (3):

Labcorp Genetics (formerly Invitae), Labcorp
Classification: Pathogenic. Last evaluated: 2023-11-24. Review status: criteria provided, single submitter. Criteria: Invitae Variant Classification Sherloc (09022015). Collection method: clinical testing. Allele origin: germline.
Comment: This sequence change creates a premature translational stop signal (p.Gln85*) in the DPYS gene. It is expected to result in an absent or disrupted protein product. Loss-of-function variants in DPYS are known to be pathogenic (PMID: 20362666). This variant is present in population databases (no rsID available, gnomAD 0.009%). This premature translational stop signal has been observed in individual(s) with clinical features of dihydropyrimidinuria (PMID: 26244261). ClinVar contains an entry for this variant (Variation ID: 2191880). For these reasons, this variant has been classified as Pathogenic.

Revvity Omics, Revvity
Classification: Likely pathogenic for Dihydropyrimidinase deficiency. Last evaluated: 2023-06-29. Review status: criteria provided, single submitter. Criteria: ACMG Guidelines, 2015. Collection method: clinical testing. Allele origin: germline.

Ambry Genetics
Classification: Pathogenic for Inborn genetic diseases. Last evaluated: 2021-09-08. Review status: criteria provided, single submitter. Criteria: Ambry Variant Classification Scheme 2023. Collection method: clinical testing. Allele origin: germline.
Comment: The c.253C>T (p.Q85*) alteration, located in exon 1 (coding exon 1) of the DPYS gene, consists of a C to T substitution at nucleotide position 253. This changes the amino acid from a glutamine (Q) to a stop codon at amino acid position 85. This alteration is expected to result in loss of function by premature protein truncation or nonsense-mediated mRNA decay. Based on the available evidence, this alteration is classified as pathogenic.

Literature cited by the submitters: PubMed 20362666 (cited by Labcorp Genetics (formerly Invitae), Labcorp); PubMed 26244261 (cited by Labcorp Genetics (formerly Invitae), Labcorp).

NM_001385.3(DPYS):c.253C>T (p.Gln85Ter)

Gene: DPYS (dihydropyrimidinase; minus strand). Cytogenetic location: 8q22.3.
Variant type: single nucleotide variant.
Coding change: c.253C>T on transcript NM_001385.3 (MANE Select); coding-DNA position 253, C replaced by T.
Protein change: p.Gln85Ter; replaces glutamine 85 with a stop codon.
Molecular consequence: nonsense.
Genome position (GRCh38, 1-based): chr8:104,466,668, G>A on the plus strand (C>T on the coding strand, the complement: DPYS is on the minus strand). VCF-style: chr8-104466668-G-A. GRCh37 (hg19) VCF-style: chr8-105478896-G-A.
Other names: c.253C>T (NM_001385.2); short protein forms Q85*.
Identifiers: ClinVar variation 2191880 (VCV002191880.5), dbSNP rs1020872387, ClinGen allele CA182641409.
Genomic context (GRCh38, chr8:104,466,668, plus strand): 5'-CCCGAGCCTCCGTGGGTACCGCGGGGCGGGGGCGCGGCGGGGCGGGTACCTTGGTGCCCT[G>A]GTGGAAGTCGTCGATGGACCGCGAGCCCATGAAGGGGAACTGCATGTGCGTGTGTGTGTC-3'